The following is an entry in ClinVar:

ClinVar aggregate classification (germline): not provided (0 of 4 stars; one submission).

Conditions:
Small for gestational age. Also called: Low birth weight. Identifiers: MedGen C0235991, HP:0001518.

Submission:

Institute of Molecular and Cell Biology, University of Tartu
No classification provided. Condition: Small for gestational age. Review status: no classification provided. Collection method: case-control. Allele origin: unknown. Affected: yes. Study: Kasak2014.
Comment: The study aimed to determine the contribution of copy number variants in the genetic etiology of normal and complicated pregnancies. The samples represented (i) maternal blood DNA drawn from healthy pregnant women during 1st or 2nd trimester and (ii) maternal and paternal blood DNA drawn at term pregnancy cases representing normal and complicated gestations (severe preeclampsia, PE; gestational diabetes, GD; small-for-gestational age newborn, SGA; large-for-gestational age newborn, LGA). We performed CNV calling based on genome-wide genotyping dataset (Illumina HumanOmniExpress-24-v1 BeadChip) by applying three algorithms, QuantiSNP, GADA (Genome Alteration Detection Algorithm) and CNstream in parallel. The acquired CNV calls were merged with HD-CNV (Hotspot Detector for Copy Number Variants) program and only the CNVs predicted by at least two programs, were considered in subsequent analysis.

Literature cited by the submitters: PubMed 25666259.

NC_000012.12:g.31106438_31253973dup

Genes: LOC129390426 (MPRA-validated peak1651 silencer; plus strand), LOC132090103 (Neanderthal introgressed variant-containing enhancer experimental_28233; plus strand). Cytogenetic location: 12p11.21.
Variant type: Duplication.
Identifiers: ClinVar variation 157246 (VCV000157246.3).